The following is an entry in ClinVar:

NM_000393.5(COL5A2):c.3055G>C (p.Val1019Leu)

Gene: COL5A2 (collagen type V alpha 2 chain; minus strand). Cytogenetic location: 2q32.2.
Variant type: single nucleotide variant.
Coding change: c.3055G>C on transcript NM_000393.5 (MANE Select); coding-DNA position 3055, G replaced by C.
Protein change: p.Val1019Leu; replaces valine 1019 with leucine.
Molecular consequence: missense variant.
Genome position (GRCh38, 1-based): chr2:189,049,439, C>G on the plus strand (G>C on the coding strand, the complement: COL5A2 is on the minus strand). VCF-style: chr2-189049439-C-G. GRCh37 (hg19) VCF-style: chr2-189914165-C-G.
Other names: short protein forms V1019L.
Identifiers: ClinVar variation 4746078 (VCV004746078.1).
Genomic context (GRCh38, chr2:189,049,439, plus strand): 5'-AGCCTGGGGGCCCCACAGGTCCAGGTGGACCTTTATCTCCTGTTGCACCAGTTGGTCCTA[C>G]TTTTCCTGGTGTTCCCTGAAATAGAAGTATAAATGTCAAACACTTGTGAAGAAATTGAAG-3'
Protein context (NP_000384.2, residues 1009-1029): LPGPAGTPGK[Val1019Leu]GPTGATGDKG

ClinVar aggregate classification (germline): Uncertain significance (1 of 4 stars; one submission).

Conditions:
Ehlers-Danlos syndrome, classic type, 1 (EDSCL1). Also called: EHLERS-DANLOS SYNDROME, GRAVIS TYPE; EHLERS-DANLOS SYNDROME, SEVERE CLASSIC TYPE; Ehlers-Danlos syndrome, type 1; Ehlers-Danlos Syndrome, Classic Type, COL5A1-Related; EDS I. Identifiers: MedGen C0268335, MONDO:0019567, OMIM 130000.

Submission:

Labcorp Genetics (formerly Invitae), Labcorp
Classification: Uncertain significance for Ehlers-Danlos syndrome, classic type, 1. Last evaluated: 2025-09-28. Review status: criteria provided, single submitter. Criteria: Invitae Variant Classification Sherloc (09022015). Collection method: clinical testing. Allele origin: germline.
Comment: This sequence change replaces valine, which is neutral and non-polar, with leucine, which is neutral and non-polar, at codon 1019 of the COL5A2 protein (p.Val1019Leu). This variant is not present in population databases (gnomAD no frequency). This variant has not been reported in the literature in individuals affected with COL5A2-related conditions. Invitae Evidence Modeling of protein sequence and biophysical properties (such as structural, functional, and spatial information, amino acid conservation, physicochemical variation, residue mobility, and thermodynamic stability) indicates that this missense variant is not expected to disrupt COL5A2 protein function with a negative predictive value of 95%. In summary, the available evidence is currently insufficient to determine the role of this variant in disease. Therefore, it has been classified as a Variant of Uncertain Significance.